The following is an entry in ClinVar:

ClinVar aggregate classification (germline): Pathogenic (1 of 4 stars; one submission).

Submission:

GeneDx
Classification: Pathogenic. Last evaluated: 2024-12-05. Review status: criteria provided, single submitter. Criteria: GeneDx Variant Classification Process June 2021. Collection method: clinical testing. Allele origin: germline. Affected: yes.
Comment: Frameshift variant predicted to result in protein truncation or nonsense mediated decay in a gene for which loss of function is a known mechanism of disease; Not observed at significant frequency in large population cohorts (gnomAD); This variant is associated with the following publications: (PMID: 27003583)

NM_006734.4(HIVEP2):c.3434del (p.Pro1145fs)

Gene: HIVEP2 (HIVEP zinc finger 2; minus strand). Cytogenetic location: 6q24.2.
Variant type: Deletion.
Coding change: c.3434del on transcript NM_006734.4 (MANE Select); coding-DNA position 3434, one base deleted (C; older notation c.3434delC).
Protein change: p.Pro1145fs; shifts the reading frame from proline 1145.
Molecular consequence: frameshift variant.
Genome position (GRCh38, 1-based): chr6:142,771,305, G deleted on the plus strand (C on the coding strand, the reverse complement: HIVEP2 is on the minus strand); the first of 5 consecutive G bases (chr6:142,771,305-142,771,309); deleting any one gives the same sequence. VCF-style (leftmost placement, unchanged base first): chr6-142771304-CG-C. GRCh37 (hg19) VCF-style: chr6-143092441-CG-C.
Other names: short protein forms P1145fs.
Identifiers: ClinVar variation 3901487 (VCV003901487.1).